The following is an entry in ClinVar:

NM_000202.8(IDS):c.236del (p.Ala79fs)

Gene: IDS (iduronate 2-sulfatase; minus strand). Cytogenetic location: Xq28.
Variant type: Deletion.
Coding change: c.236del on transcript NM_000202.8 (MANE Select); coding-DNA position 236, one base deleted (C; older notation c.236delC).
Protein change: p.Ala79fs; shifts the reading frame from alanine 79.
Molecular consequence: frameshift variant. On other transcripts: non-coding transcript variant (1).
Genome position (GRCh38, 1-based): chrX:149,504,161, G deleted on the plus strand (C on the coding strand, the reverse complement: IDS is on the minus strand). VCF-style (leftmost placement, unchanged base first): chrX-149504160-CG-C. GRCh37 (hg19) VCF-style: chrX-148585690-CG-C.
Other names: c.10del, p.Arg4fs (NM_001166550.4); c.236del, p.Ala79fs (NM_006123.5); short protein forms A79fs, R4fs.
Identifiers: ClinVar variation 3256103 (VCV003256103.2).

ClinVar aggregate classification (germline): Pathogenic (1 of 4 stars; one submission).

Conditions:
Mucopolysaccharidosis, MPS-II (MPS2). Also called: Hunter Syndrome; IDURONATE 2-SULFATASE DEFICIENCY; Mucopolysaccharidosis Type II; Mucopolysaccharidosis type 2; Attenuated MPS (subtype; formerly known as mild MPS II); Severe MPS II. Identifiers: Orphanet 580, Orphanet 79388, MedGen C0026705, MONDO:0010674, OMIM 309900.

Submission:

Laboratory of Diagnosis and Therapy of Lysosomal Disorders, University of Padova
Classification: Pathogenic for Mucopolysaccharidosis, MPS-II. Last evaluated: 2024-06-07. Review status: criteria provided, single submitter. Criteria: ACMG Guidelines, 2015. Collection method: literature only. Allele origin: germline. Affected: yes. Observed: 1 variant allele.
Comment: Null variant (PVS1_VeryStrong), Absent from controls (or at low frequency) in gnomAD database (PM2_Moderate), Patient’s phenotype or family history highly specific for the disease (PP4_Strong)

Classification method: ACMG Guidelines [PMID:25741868] with modifications

Literature cited by the submitters: PubMed 20960629.